The following is an entry in ClinVar:

ClinVar aggregate classification (germline): Conflicting classifications of pathogenicity. Review status: criteria provided, conflicting classifications (1 of 4 stars). 2 submissions from 2 submitters: Uncertain significance (1); Likely benign (1). Last evaluated 2024-09-20.

Conditions:
SIN3A-related intellectual disability syndrome due to a point mutation. Also called: 15q24 Microdeletion Syndrome; WITTEVEEN-KOLK SYNDROME. Identifiers: Orphanet 500166, Orphanet 94065, MedGen C4310804, MONDO:0044700, OMIM 613406.

Submissions (2):

3billion
Classification: Likely benign for SIN3A-related intellectual disability syndrome due to a point mutation. Last evaluated: 2024-09-20. Review status: criteria provided, single submitter. Criteria: ACMG Guidelines, 2015. Collection method: clinical testing. Allele origin: germline. Affected: no.
Comment: The variant was identified in at least one patient who was diagnosed with a different variant in another gene and showed no symptoms related to the gene containing the variant in question.

Revvity Omics, Revvity
Classification: Uncertain significance for SIN3A-related intellectual disability syndrome due to a point mutation. Last evaluated: 2022-03-24. Review status: criteria provided, single submitter. Criteria: ACMG Guidelines, 2015. Collection method: clinical testing. Allele origin: germline.

NM_001145358.2(SIN3A):c.3653C>G (p.Thr1218Ser)

Gene: SIN3A (SIN3 transcription regulator family member A; minus strand). Cytogenetic location: 15q24.2.
Variant type: single nucleotide variant.
Coding change: c.3653C>G on transcript NM_001145358.2 (MANE Select); coding-DNA position 3653, C replaced by G.
Protein change: p.Thr1218Ser; replaces threonine 1218 with serine.
Molecular consequence: missense variant.
Genome position (GRCh38, 1-based): chr15:75,372,148, G>C on the plus strand (C>G on the coding strand, the complement: SIN3A is on the minus strand). VCF-style: chr15-75372148-G-C. GRCh37 (hg19) VCF-style: chr15-75664489-G-C.
Other names: c.3653C>G, p.Thr1218Ser (NM_001145357.2, NM_015477.3); short protein forms T1218S.
Identifiers: ClinVar variation 2435950 (VCV002435950.4), dbSNP rs2542982542, ClinGen allele CA393483425.
Genomic context (GRCh38, chr15:75,372,148, plus strand): 5'-CCCTCACCCATGAGCCACTTGCTGGTCTCTGCTGCCATTTCACGGGGCACATGCTCCTTG[G>C]TCCATTTATCTACCCAGGCCTGGAATCTCTGATGTAGACGCTTGCTTACACGCTCATGGG-3'
Protein context (NP_001138830.1, residues 1208-1228): QRFQAWVDKW[Thr1218Ser]KEHVPREMAA